The following is an entry in ClinVar:

ClinVar aggregate classification (germline): Uncertain significance. Review status: criteria provided, multiple submitters, no conflicts (2 of 4 stars). 4 submissions from 4 submitters: Uncertain significance (2). 2 of the submissions do not count toward it. Last evaluated 2024-11-07.

Conditions:
Cohen syndrome (COH1). Also called: Cutis verticis gyrata, retinitis pigmentosa, and sensorineural deafness; PEPPER SYNDROME. Identifiers: Orphanet 193, MedGen C0265223, MONDO:0008999, OMIM 216550.
VPS13B-related disorder. Also called: VPS13B-related condition.

Allele frequency attached by ClinVar (database versions not stated): gnomAD exomes 0.00001; ExAC 0.00002; gnomAD 0.00003 and 0.00004; TOPMed 0.00003; 1000 Genomes Project 30x 0.00016; 1000 Genomes Project 0.00020.
gnomAD v4.1: 32 of 1,613,760 alleles (0.002%); highest among the groups gnomAD compares: Middle Eastern, 0.017%; no homozygotes.

Submissions (4):

Labcorp Genetics (formerly Invitae), Labcorp
Classification: Uncertain significance for Cohen syndrome. Last evaluated: 2024-11-07. Review status: criteria provided, single submitter. Criteria: Invitae Variant Classification Sherloc (09022015). Collection method: clinical testing. Allele origin: germline.
Comment: This sequence change replaces arginine, which is basic and polar, with glutamine, which is neutral and polar, at codon 1696 of the VPS13B protein (p.Arg1696Gln). This variant is present in population databases (rs565360322, gnomAD 0.003%). This variant has not been reported in the literature in individuals affected with VPS13B-related conditions. ClinVar contains an entry for this variant (Variation ID: 661708). Invitae Evidence Modeling of protein sequence and biophysical properties (such as structural, functional, and spatial information, amino acid conservation, physicochemical variation, residue mobility, and thermodynamic stability) indicates that this missense variant is expected to disrupt VPS13B protein function with a positive predictive value of 80%. In summary, the available evidence is currently insufficient to determine the role of this variant in disease. Therefore, it has been classified as a Variant of Uncertain Significance.

Blueprint Genetics
Classification: Uncertain significance. Last evaluated: 2023-04-11. Review status: criteria provided, single submitter. Criteria: ACMG Guidelines, 2015. Collection method: clinical testing. Allele origin: germline.

PreventionGenetics, part of Exact Sciences
Classification: Uncertain significance for VPS13B-related condition. Last evaluated: 2024-06-10. Review status: no assertion criteria provided. Collection method: clinical testing. Allele origin: germline. Not counted in ClinVar's aggregate classification.
Comment: The VPS13B c.5012G>A variant is predicted to result in the amino acid substitution p.Arg1671Gln. To our knowledge, this variant has not been reported in the literature. This variant is reported in 0.0031% of alleles in individuals of European (Non-Finnish) descent in gnomAD. At this time, the clinical significance of this variant is uncertain due to the absence of conclusive functional and genetic evidence.

Natera, Inc.
Classification: Uncertain significance for Cohen syndrome. Last evaluated: 2020-04-16. Review status: no assertion criteria provided. Collection method: clinical testing. Allele origin: germline. Not counted in ClinVar's aggregate classification.

NM_152564.5(VPS13B):c.5012G>A (p.Arg1671Gln)

Gene: VPS13B (vacuolar protein sorting 13 homolog B; plus strand). Cytogenetic location: 8q22.2.
Variant type: single nucleotide variant.
Coding change: c.5012G>A on transcript NM_152564.5 (MANE Select); coding-DNA position 5012, G replaced by A.
Protein change: p.Arg1671Gln; replaces arginine 1671 with glutamine.
Molecular consequence: missense variant.
Genome position (GRCh38, 1-based): chr8:99,575,720, G>A. VCF-style: chr8-99575720-G-A. GRCh37 (hg19) VCF-style: chr8-100587948-G-A.
Other names: c.5087G>A, p.Arg1696Gln (NM_017890.5); c.5012G>A (NM_152564.4); short protein forms R1696Q, R1671Q.
Identifiers: ClinVar variation 661708 (VCV000661708.10), dbSNP rs565360322, ClinGen allele CA4823719.
Genomic context (GRCh38, chr8:99,575,720, plus strand): 5'-TACGGCGGCATCAAGAAAGGAGAGCAATTTTGACCCCCGTTTTGACAGATTTTTCTGTCC[G>A]AATAACTGGAGCACCTGCTGTCATTTTCACCAAAGTAGTTTCTCCAGAAAATTTGCATAC-3'
Protein context (NP_689777.3, residues 1661-1681): LTPVLTDFSV[Arg1671Gln]ITGAPAVIFT